The following is an entry in ClinVar:

NM_001267550.2(TTN):c.106996C>A (p.Gln35666Lys)

Genes: TTN (titin; minus strand), TTN-AS1 (TTN antisense RNA 1; plus strand). Cytogenetic location: 2q31.2.
Variant type: single nucleotide variant.
Coding change: c.106996C>A on transcript NM_001267550.2 (MANE Select); coding-DNA position 106996, C replaced by A.
Protein change: p.Gln35666Lys; replaces glutamine 35666 with lysine.
Molecular consequence: missense variant.
Genome position (GRCh38, 1-based): chr2:178,528,755, G>T on the plus strand (C>A on the coding strand, the complement: TTN is on the minus strand). VCF-style: chr2-178528755-G-T. GRCh37 (hg19) VCF-style: chr2-179393482-G-T.
Other names: c.102073C>A, p.Gln34025Lys (NM_001256850.1); c.79801C>A, p.Gln26601Lys (NM_003319.4); c.99292C>A, p.Gln33098Lys (NM_133378.4); c.80176C>A, p.Gln26726Lys (NM_133432.3); c.80377C>A, p.Gln26793Lys (NM_133437.4); short protein forms Q26793K, Q34025K, Q26726K, Q26601K, Q33098K, Q35666K.
Identifiers: ClinVar variation 2069045 (VCV002069045.5), dbSNP rs750660824, ClinGen allele CA1985013.
Genomic context (GRCh38, chr2:178,528,755, plus strand): 5'-CGATTCCTTCCTTGGTTTTGCTTATGCAGGTGAGGATTCCTTCATCTCTGTGACTGGCTT[G>T]CTTGATGGTTAGGGTCTGATCGCTGCCTGAGACACCATATCGGTACTCCTCAGAGTTGGT-3'
Protein context (NP_001254479.2, residues 35656-35676): SGSDQTLTIK[Gln35666Lys]ASHRDEGILT

ClinVar aggregate classification (germline): Uncertain significance. Review status: criteria provided, multiple submitters, no conflicts (2 of 4 stars). 2 submissions from 2 submitters: Uncertain significance (2). Last evaluated 2025-12-22.

Conditions:
Autosomal recessive limb-girdle muscular dystrophy type 2J (LGMDR10). Also called: Limb-girdle muscular dystrophy, type 2J; MUSCULAR DYSTROPHY, LIMB-GIRDLE, AUTOSOMAL RECESSIVE 10. Identifiers: Orphanet 140922, MedGen C1837342, MONDO:0012127, OMIM 608807.
Dilated cardiomyopathy 1G (CMD1G). Identifiers: Orphanet 154, MedGen C1858763, MONDO:0011400, OMIM 604145.
TTN-related disorder. Also called: TTN-related disorders; TTN-related condition; TTN-related disease.

Submissions (2):

PreventionGenetics, part of Exact Sciences
Classification: Uncertain significance for TTN-related condition. Last evaluated: 2025-12-22. Review status: criteria provided, single submitter. Criteria: ACMG Guidelines, 2015. Collection method: clinical testing. Allele origin: germline.
Comment: The TTN c.106996C>A variant is predicted to result in the amino acid substitution p.Gln35666Lys. To our knowledge, this variant has not been reported in the literature. This variant is reported in 0.038% of alleles in individuals of European (Finnish) descent in gnomAD. At this time, the clinical significance of this variant is uncertain due to the absence of conclusive functional and genetic evidence.

Labcorp Genetics (formerly Invitae), Labcorp
Classification: Uncertain significance for Dilated cardiomyopathy 1G; Autosomal recessive limb-girdle muscular dystrophy type 2J. Last evaluated: 2025-11-30. Review status: criteria provided, single submitter. Criteria: Invitae Variant Classification Sherloc (09022015). Collection method: clinical testing. Allele origin: germline.
Comment: This sequence change replaces glutamine, which is neutral and polar, with lysine, which is basic and polar, at codon 35666 of the TTN protein (p.Gln35666Lys). The frequency data for this variant in the population databases is considered unreliable, as metrics indicate poor data quality at this position in the gnomAD database. This missense change has been observed in individual(s) with dilated cardiomyopathy (internal data). ClinVar contains an entry for this variant (Variation ID: 2069045). An algorithm developed to predict the effect of missense changes on protein structure and function outputs the following: PolyPhen-2: "Not Available". The lysine amino acid residue is found in multiple mammalian species, which suggests that this missense change does not adversely affect protein function. This variant is located in the M band of TTN (PMID: 25589632). Non-truncating variants in this region may be relevant for neuromuscular disorders, but have not been definitively shown to cause cardiomyopathy (PMID: 23975875). In summary, the available evidence is currently insufficient to determine the role of this variant in disease. Therefore, it has been classified as a Variant of Uncertain Significance.

Literature cited by the submitters: PubMed 25589632 (cited by Labcorp Genetics (formerly Invitae), Labcorp); PubMed 23975875 (cited by Labcorp Genetics (formerly Invitae), Labcorp).